The following is an entry in ClinVar:

ClinVar aggregate classification (germline): Uncertain significance (1 of 4 stars; one submission).

Allele frequency attached by ClinVar (database versions not stated): gnomAD 0.00001; TOPMed 0.00003; ESP Exome Variant Server 0.00008.
gnomAD v4.1: 65 of 1,611,034 alleles (0.004%); highest among the groups gnomAD compares: Non-Finnish European, 0.0054%; no homozygotes.

Submission:

Labcorp Genetics (formerly Invitae), Labcorp
Classification: Uncertain significance. Last evaluated: 2022-06-13. Review status: criteria provided, single submitter. Criteria: Invitae Variant Classification Sherloc (09022015). Collection method: clinical testing. Allele origin: germline.
Comment: This sequence change replaces arginine, which is basic and polar, with cysteine, which is neutral and slightly polar, at codon 199 of the MRPL3 protein (p.Arg199Cys). In summary, the available evidence is currently insufficient to determine the role of this variant in disease. Therefore, it has been classified as a Variant of Uncertain Significance. Algorithms developed to predict the effect of sequence changes on RNA splicing suggest that this variant may disrupt the consensus splice site. Algorithms developed to predict the effect of missense changes on protein structure and function are either unavailable or do not agree on the potential impact of this missense change (SIFT: "Deleterious"; PolyPhen-2: "Probably Damaging"; Align-GVGD: "Class C15"). This variant has not been reported in the literature in individuals affected with MRPL3-related conditions. This variant is present in population databases (rs376536556, gnomAD 0.006%).

NM_007208.4(MRPL3):c.595C>T (p.Arg199Cys)

Gene: MRPL3 (mitochondrial ribosomal protein L3; minus strand). Cytogenetic location: 3q22.1.
Variant type: single nucleotide variant.
Coding change: c.595C>T on transcript NM_007208.4 (MANE Select); coding-DNA position 595, C replaced by T.
Protein change: p.Arg199Cys; replaces arginine 199 with cysteine.
Molecular consequence: missense variant.
Genome position (GRCh38, 1-based): chr3:131,487,714, G>A on the plus strand (C>T on the coding strand, the complement: MRPL3 is on the minus strand). VCF-style: chr3-131487714-G-A. GRCh37 (hg19) VCF-style: chr3-131206558-G-A.
Other names: short protein forms R199C.
Identifiers: ClinVar variation 1366875 (VCV001366875.6), dbSNP rs376536556, ClinGen allele CA2617051.